The following is an entry in ClinVar:

NC_000016.9:g.(23635416_23637556)_(23637719_23640524)del

Gene: PALB2 (partner and localizer of BRCA2; minus strand). Cytogenetic location: 16p12.2.
Variant type: Deletion.
Identifiers: ClinVar variation 3902394 (VCV003902394.1).

ClinVar aggregate classification (germline): Uncertain significance (1 of 4 stars; one submission).

Submission:

Women's Health and Genetics/Laboratory Corporation of America, LabCorp
Classification: Uncertain significance. Last evaluated: 2025-05-29. Review status: criteria provided, single submitter. Criteria: LabCorp Variant Classification Summary - May 2015. Collection method: clinical testing. Allele origin: germline.
Comment: Variant summary: The variant involves the deletion of exon 7 in the PALB2 gene. A presumed nomenclature of c.(2586+1_2587-1)_(2748+1_2749-1)del has been designated for the purposes of this classification. This Copy Number Variant (CNV) is predicted to result in an in-frame deletion within this gene. The variant was absent in 21694 control chromosomes (gnomAD, structural variants dataset). c.(2586+1_2587-1)_(2748+1_2749-1)del has been observed in individual(s) affected with breast cancer or other Hereditary Breast and Ovarian Cancer Syndrome-related cancers including prostate and colon cancer (e.g. Susswein_2015, Yang_2019, Rosenthal_2020, Pearlman_2021, Moreno-Cabrera_2022, Breen_2023). However, these report(s) do not provide strong evidence supporting causality (i.e. segregation data) and therefore, do not allow for unequivocal conclusions about association of the variant with breast cancer and/or other PALB2-related cancers. To our knowledge, no experimental evidence demonstrating an impact on protein function and no pathogenic/likely pathogenic variants contained within the deleted region have been reported. The following publications have been ascertained in the context of this evaluation (PMID: 26681312, 36974724, 34250417, 32090079, 33219106, 31841383). ClinVar contains an entry for this variant (Variation ID: 1066540). Based on the evidence outlined above, the variant was classified as uncertain significance until further clinical and/or functional evidence becomes available.

Literature cited by the submitters: PubMed 26681312; PubMed 31841383; PubMed 32090079; PubMed 34250417; PubMed 36974724; PubMed 33219106.